The following is an entry in ClinVar:

ClinVar aggregate classification (germline): Uncertain significance (1 of 4 stars; one submission).

Conditions:
Developmental and epileptic encephalopathy, 11 (DEE11). Also called: Early infantile epileptic encephalopathy 11. Identifiers: Orphanet 1934, MedGen C3150987, MONDO:0013388, OMIM 613721.
Seizures, benign familial infantile, 3 (BFIS3). Also called: Familial neonatal seizures; CONVULSIONS, BENIGN FAMILIAL INFANTILE, 3. Identifiers: Orphanet 140927, Orphanet 306, MedGen C1843140, MONDO:0011904, OMIM 607745.

Allele frequency attached by ClinVar (database versions not stated): ExAC 0.00001; TOPMed 0.00002; gnomAD 0.00003; ESP Exome Variant Server 0.00008.
gnomAD v4.1: 15 of 1,613,928 alleles (0.00093%); highest among the groups gnomAD compares: Middle Eastern, 0.016%; no homozygotes.

Submission:

Labcorp Genetics (formerly Invitae), Labcorp
Classification: Uncertain significance for Seizures, benign familial infantile, 3; Developmental and epileptic encephalopathy, 11. Last evaluated: 2025-08-21. Review status: criteria provided, single submitter. Criteria: Invitae Variant Classification Sherloc (09022015). Collection method: clinical testing. Allele origin: germline.
Comment: This sequence change replaces arginine, which is basic and polar, with histidine, which is basic and polar, at codon 1022 of the SCN2A protein (p.Arg1022His). This variant is present in population databases (rs376774884, gnomAD 0.008%). This variant has not been reported in the literature in individuals affected with SCN2A-related conditions. ClinVar contains an entry for this variant (Variation ID: 582284). Invitae Evidence Modeling of protein sequence and biophysical properties (such as structural, functional, and spatial information, amino acid conservation, physicochemical variation, residue mobility, and thermodynamic stability) indicates that this missense variant is not expected to disrupt SCN2A protein function with a negative predictive value of 95%. In summary, the available evidence is currently insufficient to determine the role of this variant in disease. Therefore, it has been classified as a Variant of Uncertain Significance.

NM_001040142.2(SCN2A):c.3065G>A (p.Arg1022His)

Gene: SCN2A (sodium voltage-gated channel alpha subunit 2; plus strand). Cytogenetic location: 2q24.3.
Variant type: single nucleotide variant.
Coding change: c.3065G>A on transcript NM_001040142.2 (MANE Select); coding-DNA position 3065, G replaced by A.
Protein change: p.Arg1022His; replaces arginine 1022 with histidine.
Molecular consequence: missense variant.
Genome position (GRCh38, 1-based): chr2:165,354,337, G>A. VCF-style: chr2-165354337-G-A. GRCh37 (hg19) VCF-style: chr2-166210847-G-A.
Other names: c.3065G>A, p.Arg1022His (NM_001040143.2, NM_001371246.1, NM_001371247.1 and 1 more transcripts); short protein forms R1022H.
Identifiers: ClinVar variation 582284 (VCV000582284.9), dbSNP rs376774884, ClinGen allele CA1940053.